The following is an entry in ClinVar:

ClinVar aggregate classification (germline): Likely pathogenic (1 of 4 stars; one submission).

Conditions:
Hereditary breast ovarian cancer syndrome. Also called: Hereditary breast and ovarian cancer; Hereditary breast and ovarian cancer syndrome (HBOC); Hereditary breast and ovarian cancer syndrome; Breast and ovarian cancer; Hereditary breast and/or ovarian cancer syndrome; BRCA1- and BRCA2-Associated Hereditary Breast and Ovarian Cancer. Identifiers: Orphanet 145, MedGen C0677776, MeSH D061325, MONDO:0003582. Disease mechanism: loss of function.

gnomAD v4.1: 1 of 1,613,940 alleles (0.000062%); highest among the groups gnomAD compares: East Asian, 0.0022%; no homozygotes.

Submission:

Women's Health and Genetics/Laboratory Corporation of America, LabCorp
Classification: Likely pathogenic for Hereditary breast ovarian cancer syndrome. Last evaluated: 2024-06-03. Review status: criteria provided, single submitter. Criteria: LabCorp Variant Classification Summary - May 2015. Collection method: clinical testing. Allele origin: germline.
Comment: Variant summary: RAD51D c.346-2A>G is located in a canonical splice-site and is predicted to affect mRNA splicing resulting in a significantly altered protein due to either exon skipping, shortening, or inclusion of intronic material. Several computational tools predict a significant impact on normal splicing: Four predict the variant abolishes the canonical 3' acceptor site. However, these predictions have yet to be confirmed by functional studies. The variant was absent in 251270 control chromosomes. To our knowledge, no occurrence of c.346-2A>G in individuals affected with Hereditary Breast And Ovarian Cancer Syndrome and no experimental evidence demonstrating its impact on protein function have been reported. No submitters have cited clinical-significance assessments for this variant to ClinVar. Based on the evidence outlined above, the variant was classified as likely pathogenic.

NM_002878.4(RAD51D):c.346-2A>G

Genes: RAD51L3-RFFL (RAD51L3-RFFL readthrough; minus strand), RAD51D (RAD51 paralog D; minus strand). Cytogenetic location: 17q12.
Variant type: single nucleotide variant.
Coding change: c.346-2A>G on transcript NM_002878.4 (MANE Select); the canonical splice acceptor site of the intron before coding-DNA position 346, A replaced by G.
Molecular consequence: splice acceptor variant. On other transcripts: intron variant (1).
Genome position (GRCh38, 1-based): chr17:35,107,124, T>C on the plus strand (A>G on the coding strand, the complement: RAD51D is on the minus strand). VCF-style: chr17-35107124-T-C. GRCh37 (hg19) VCF-style: chr17-33434143-T-C.
Other names: c.145-643A>G (NM_133629.3); c.406-2A>G (NM_001142571.2).
Identifiers: ClinVar variation 3339773 (VCV003339773.1).